The following is an entry in ClinVar:

NM_004646.4(NPHS1):c.2971G>C (p.Val991Leu)

Gene: NPHS1 (NPHS1 adhesion molecule, nephrin; minus strand). Cytogenetic location: 19q13.12.
Variant type: single nucleotide variant.
Coding change: c.2971G>C on transcript NM_004646.4 (MANE Select); coding-DNA position 2971, G replaced by C.
Protein change: p.Val991Leu; replaces valine 991 with leucine.
Molecular consequence: missense variant.
Genome position (GRCh38, 1-based): chr19:35,839,375, C>G on the plus strand (G>C on the coding strand, the complement: NPHS1 is on the minus strand). VCF-style: chr19-35839375-C-G. GRCh37 (hg19) VCF-style: chr19-36330277-C-G.
Other names: short protein forms V991L.
Identifiers: ClinVar variation 259493 (VCV000259493.22), dbSNP rs34736717, ClinGen allele CA9389958.

ClinVar aggregate classification (germline): Benign/Likely benign. Review status: criteria provided, multiple submitters, no conflicts (2 of 4 stars). 10 submissions from 10 submitters: Benign (7); Likely benign (2). 1 of the submissions does not count toward it. Last evaluated 2026-02-04.

Conditions:
Focal segmental glomerulosclerosis (FSGS). Also called: Glomerulosclerosis, focal; Focal sclerosis with hyalinosis. Identifiers: MedGen C0017668, MONDO:0100313, HP:0000097. Disease mechanism: loss of function.
Finnish congenital nephrotic syndrome (NPHS1). Also called: NEPHROTIC SYNDROME, TYPE 1. Identifiers: Orphanet 839, MedGen C0403399, MONDO:0009732, OMIM 256300.
Congenital nephrotic syndrome. Also called: Familial nephrotic syndrome. Identifiers: MedGen C3501848, MeSH C535761, MONDO:0002350, HP:0008677.

Allele frequency attached by ClinVar (database versions not stated): gnomAD 0.03743; TOPMed 0.04454; ESP Exome Variant Server 0.04698; 1000 Genomes Project 0.04772; 1000 Genomes Project 30x 0.05091.
gnomAD v4.1: 12,001 of 1,614,086 alleles (0.74%); highest among the groups gnomAD compares: African/African-American, 14%; 762 homozygotes.

Submissions (10):

Labcorp Genetics (formerly Invitae), Labcorp
Classification: Benign. Last evaluated: 2026-02-04. Review status: criteria provided, single submitter. Criteria: Invitae Variant Classification Sherloc (09022015). Collection method: clinical testing. Allele origin: germline.

Blueprint Genetics
Classification: Benign. Last evaluated: 2024-11-13. Review status: criteria provided, single submitter. Criteria: ACMG Guidelines, 2015. Collection method: clinical testing. Allele origin: germline.

Mayo Clinic Laboratories, Mayo Clinic
Classification: Benign. Last evaluated: 2023-04-03. Review status: criteria provided, single submitter. Criteria: ACMG Guidelines, 2015. Collection method: clinical testing. Allele origin: germline. Observed: 12 variant alleles.

Genome Diagnostics Laboratory, The Hospital for Sick Children
Classification: Benign for Focal segmental glomerulosclerosis. Last evaluated: 2022-08-16. Review status: criteria provided, single submitter. Criteria: ACMG Guidelines, 2015. Collection method: clinical testing. Allele origin: germline.

GeneDx
Classification: Benign. Last evaluated: 2019-11-29. Review status: criteria provided, single submitter. Criteria: GeneDx Variant Classification Process June 2021. Collection method: clinical testing. Allele origin: germline. Affected: yes.

Women's Health and Genetics/Laboratory Corporation of America, LabCorp
Classification: Benign. Last evaluated: 2018-04-20. Review status: criteria provided, single submitter. Criteria: LabCorp Variant Classification Summary - May 2015. Collection method: clinical testing. Allele origin: germline.
Comment: Variant summary: NPHS1 c.2971G>C (p.Val991Leu) results in a conservative amino acid change located in the Fibronectin type III domain of the encoded protein sequence. Five of five in-silico tools predict a benign effect of the variant on protein function. The variant allele was found at a frequency of 0.013 in 277180 control chromosomes, predominantly within the African subpopulation at a frequency of 0.14 in the gnomAD database, including 231 homozygotes. The observed variant frequency within African control individuals is approximately 42 fold above the estimated maximal expected allele frequency for a pathogenic variant in NPHS1 causing Nephrotic Syndrome, Type 1 phenotype (0.0034), strongly suggesting that the variant is a benign polymorphism found primarily in populations of African origin. The variant has been cited in the literature as a polymorphism (e.g., Machuca_2010). One clinical diagnostic laboratory has submitted clinical-significance assessments for this variant to ClinVar after 2014 and classified the variant as likely benign. Based on the evidence outlined above, the variant was classified as benign.

Illumina Laboratory Services, Illumina
Classification: Likely benign for Congenital nephrotic syndrome. Last evaluated: 2017-04-27. Review status: criteria provided, single submitter. Criteria: ICSL Variant Classification Criteria 13 December 2019. Collection method: clinical testing. Allele origin: germline.
Comment: This variant was observed as part of a predisposition screen in an ostensibly healthy population. A literature search was performed for the gene, cDNA change, and amino acid change (where applicable). Publications were found based on this search. The evidence from the literature, in combination with allele frequency data from public databases where available, was sufficient to determine this variant is unlikely to cause disease. Therefore, this variant is classified as likely benign.

Breakthrough Genomics
Classification: Likely benign. Review status: criteria provided, single submitter. Criteria: ACMG Guidelines, 2015. Collection method: not provided. Allele origin: germline. Inheritance: Autosomal recessive inheritance. Affected: yes.

PreventionGenetics, part of Exact Sciences
Classification: Benign. Review status: criteria provided, single submitter. Criteria: ACMG Guidelines, 2015. Collection method: clinical testing. Allele origin: germline.

Natera, Inc.
Classification: Benign for Finnish congenital nephrotic syndrome. Last evaluated: 2020-09-16. Review status: no assertion criteria provided. Collection method: clinical testing. Allele origin: germline. Not counted in ClinVar's aggregate classification.

Literature cited by the submitters: PubMed 20507940 (cited by Women's Health and Genetics/Laboratory Corporation of America, LabCorp); PubMed 19812541 (cited by Illumina Laboratory Services, Illumina); PubMed 15338398 (cited by Illumina Laboratory Services, Illumina).